The following is an entry in ClinVar:

NM_000059.4(BRCA2):c.5995del (p.Val1999fs)

Gene: BRCA2 (BRCA2 DNA repair associated; plus strand). Cytogenetic location: 13q13.1.
Variant type: Deletion.
Coding change: c.5995del on transcript NM_000059.4 (MANE Select); coding-DNA position 5995, one base deleted (G; older notation c.5995delG).
Protein change: p.Val1999fs; shifts the reading frame from valine 1999.
Molecular consequence: frameshift variant. On other transcripts: non-coding transcript variant (1), intron variant (2).
Genome position (GRCh38, 1-based): chr13:32,340,350, G deleted. VCF-style (leftmost placement, unchanged base first): chr13-32340349-AG-A. GRCh37 (hg19) VCF-style: chr13-32914486-AG-A.
Other names: c.5995del, p.Val1999fs (NM_001406719.1, NM_001406720.1); c.1910-4208del (NM_001406721.1); c.425-4208del (NM_001406722.1); short protein forms V1999fs.
Identifiers: ClinVar variation 2767030 (VCV002767030.3), dbSNP rs2548532320, ClinGen allele CA2697551803.

ClinVar aggregate classification (germline): Pathogenic (1 of 4 stars; one submission).

Conditions:
Hereditary breast ovarian cancer syndrome. Also called: Hereditary breast and ovarian cancer syndrome; Hereditary breast and/or ovarian cancer syndrome; BRCA1- and BRCA2-Associated Hereditary Breast and Ovarian Cancer; Hereditary breast and ovarian cancer; Breast and ovarian cancer; Hereditary breast and ovarian cancer syndrome (HBOC). Identifiers: Orphanet 145, MedGen C0677776, MeSH D061325, MONDO:0003582. Disease mechanism: loss of function.

Submission:

Labcorp Genetics (formerly Invitae), Labcorp
Classification: Pathogenic for Hereditary breast ovarian cancer syndrome. Last evaluated: 2023-10-09. Review status: criteria provided, single submitter. Criteria: Invitae Variant Classification Sherloc (09022015). Collection method: clinical testing. Allele origin: germline.
Comment: This sequence change creates a premature translational stop signal (p.Val1999Cysfs*5) in the BRCA2 gene. It is expected to result in an absent or disrupted protein product. Loss-of-function variants in BRCA2 are known to be pathogenic (PMID: 20104584). This variant is not present in population databases (gnomAD no frequency). This premature translational stop signal has been observed in individual(s) with breast cancer (PMID: 25863477). For these reasons, this variant has been classified as Pathogenic.

Literature cited by the submitters: PubMed 20104584; PubMed 25863477.